The following is an entry in ClinVar:

NM_004830.4(MED23):c.1810C>T (p.Leu604Phe)

Gene: MED23 (mediator complex subunit 23; minus strand). Cytogenetic location: 6q23.2.
Variant type: single nucleotide variant.
Coding change: c.1810C>T on transcript NM_004830.4 (MANE Select); coding-DNA position 1810, C replaced by T.
Protein change: p.Leu604Phe; replaces leucine 604 with phenylalanine.
Molecular consequence: missense variant.
Genome position (GRCh38, 1-based): chr6:131,603,151, G>A on the plus strand (C>T on the coding strand, the complement: MED23 is on the minus strand). VCF-style: chr6-131603151-G-A. GRCh37 (hg19) VCF-style: chr6-131924291-G-A.
Other names: c.1810C>T, p.Leu604Phe (NM_001270521.2, NM_001270522.2, NM_001376519.1 and 3 more transcripts); c.1828C>T, p.Leu610Phe (NM_001376517.1, NM_015979.4); c.1756C>T, p.Leu586Phe (NM_001376518.1); c.1669C>T, p.Leu557Phe (NM_001376520.1); c.1555C>T, p.Leu519Phe (NM_001376523.1); c.1828C>T (NM_015979.3); short protein forms L557F, L519F, L586F, L610F, L604F.
Identifiers: ClinVar variation 2272401 (VCV002272401.3), dbSNP rs2482632718, ClinGen allele CA365672514.

ClinVar aggregate classification (germline): Uncertain significance. Review status: criteria provided, multiple submitters, no conflicts (2 of 4 stars). 2 submissions from 2 submitters: Uncertain significance (2). Last evaluated 2026-03-07.

Conditions:
Inborn genetic diseases. Identifiers: MedGen C0950123, MeSH D030342.

Submissions (2):

GeneDx
Classification: Uncertain significance. Last evaluated: 2026-03-07. Review status: criteria provided, single submitter. Criteria: GeneDx Variant Classification Process June 2021. Collection method: clinical testing. Allele origin: germline.
Comment: Not observed at significant frequency in large population cohorts (gnomAD); In silico analysis supports that this missense variant has a deleterious effect on protein structure/function; Has not been previously published as pathogenic or benign to our knowledge

Ambry Genetics
Classification: Uncertain significance for Inborn genetic diseases. Last evaluated: 2022-01-19. Review status: criteria provided, single submitter. Criteria: Ambry Variant Classification Scheme 2023. Collection method: clinical testing. Allele origin: germline.